The following is an entry in ClinVar:

ClinVar aggregate classification (germline): Uncertain significance (1 of 4 stars; one submission).

Conditions:
Short-rib thoracic dysplasia 6 with or without polydactyly (SRTD6). Also called: Majewski Syndrome; SHORT-RIB THORACIC DYSPLASIA 6 WITH POLYDACTYLY; SHORT-RIB THORACIC DYSPLASIA 6 WITHOUT POLYDACTYLY; SHORT RIB-POLYDACTYLY SYNDROME, TYPE IIA; POLYDACTYLY WITH NEONATAL CHONDRODYSTROPHY, TYPE II. Identifiers: MedGen C0024507, MONDO:0009894, OMIM 263520.

Allele frequency attached by ClinVar (database versions not stated): gnomAD 0.00001; gnomAD exomes 0.00001.
gnomAD v4.1: 5 of 1,530,852 alleles (0.00033%); highest among the groups gnomAD compares: Non-Finnish European, 0.00044%; no homozygotes.

Submission:

Labcorp Genetics (formerly Invitae), Labcorp
Classification: Uncertain significance for Short-rib thoracic dysplasia 6 with or without polydactyly. Last evaluated: 2024-04-22. Review status: criteria provided, single submitter. Criteria: Invitae Variant Classification Sherloc (09022015). Collection method: clinical testing. Allele origin: germline.
Comment: This sequence change replaces serine, which is neutral and polar, with tyrosine, which is neutral and polar, at codon 837 of the NEK1 protein (p.Ser837Tyr). This variant is present in population databases (no rsID available, gnomAD 0.007%). This variant has not been reported in the literature in individuals affected with NEK1-related conditions. ClinVar contains an entry for this variant (Variation ID: 1471336). Advanced modeling of protein sequence and biophysical properties (such as structural, functional, and spatial information, amino acid conservation, physicochemical variation, residue mobility, and thermodynamic stability) performed at Invitae indicates that this missense variant is not expected to disrupt NEK1 protein function with a negative predictive value of 80%. In summary, the available evidence is currently insufficient to determine the role of this variant in disease. Therefore, it has been classified as a Variant of Uncertain Significance.

NM_001199397.3(NEK1):c.2594C>A (p.Ser865Tyr)

Gene: NEK1 (NIMA related kinase 1; minus strand). Cytogenetic location: 4q33.
Variant type: single nucleotide variant.
Coding change: c.2594C>A on transcript NM_001199397.3 (MANE Select); coding-DNA position 2594, C replaced by A.
Protein change: p.Ser865Tyr; replaces serine 865 with tyrosine.
Molecular consequence: missense variant. On other transcripts: non-coding transcript variant (1), intron variant (1).
Genome position (GRCh38, 1-based): chr4:169,438,253, G>T on the plus strand (C>A on the coding strand, the complement: NEK1 is on the minus strand). VCF-style: chr4-169438253-G-T. GRCh37 (hg19) VCF-style: chr4-170359404-G-T.
Other names: c.2462C>A, p.Ser821Tyr (NM_001199398.3); c.2303C>A, p.Ser768Tyr (NM_001199399.3); c.2378C>A, p.Ser793Tyr (NM_001199400.3); c.2594C>A, p.Ser865Tyr (NM_001374418.1); c.2510C>A, p.Ser837Tyr (NM_001374419.1, NM_012224.4); c.2459C>A, p.Ser820Tyr (NM_001374420.1); c.2282-4588C>A (NM_001374421.1); short protein forms S768Y, S821Y, S793Y, S865Y, S820Y, S837Y.
Identifiers: ClinVar variation 1471336 (VCV001471336.6), dbSNP rs1373992801, ClinGen allele CA358730853.